The following is an entry in ClinVar:

ClinVar aggregate classification (germline): Pathogenic. Review status: criteria provided, multiple submitters, no conflicts (2 of 4 stars). 4 submissions from 4 submitters: Pathogenic (3). 1 of the submissions does not count toward it. Last evaluated 2026-01-16.

Conditions:
Hereditary fructosuria. Also called: ALDOB DEFICIENCY; ALDOLASE B DEFICIENCY; FRUCTOSE-1,6-BISPHOSPHATE ALDOLASE B DEFICIENCY; FRUCTOSE-1-PHOSPHATE ALDOLASE DEFICIENCY; FRUCTOSEMIA; Fructose intolerance. Identifiers: Orphanet 469, MedGen C0016751, MONDO:0009249, OMIM 229600, HP:0005973. Disease mechanism: loss of function.

Allele frequency attached by ClinVar (database versions not stated): gnomAD exomes below 0.00001; ExAC 0.00002.
gnomAD v4.1: 2 of 1,614,174 alleles (0.00012%); highest among the groups gnomAD compares: Non-Finnish European, 0.00017%; no homozygotes.

Submissions (4):

Labcorp Genetics (formerly Invitae), Labcorp
Classification: Pathogenic for Hereditary fructosuria. Last evaluated: 2026-01-16. Review status: criteria provided, single submitter. Criteria: Invitae Variant Classification Sherloc (09022015). Collection method: clinical testing. Allele origin: germline.
Comment: This sequence change replaces leucine, which is neutral and non-polar, with proline, which is neutral and non-polar, at codon 257 of the ALDOB protein (p.Leu257Pro). This variant is present in population databases (rs764701775, gnomAD 0.002%). This missense change has been observed in individual(s) with fructose intolerance (PMID: 8162030, 14760272, 20033295). In at least one individual the data is consistent with being in trans (on the opposite chromosome) from a pathogenic variant. It has also been observed to segregate with disease in related individuals. This variant is also known as Leu256->Pro. ClinVar contains an entry for this variant (Variation ID: 1065855). An algorithm developed to predict the effect of missense changes on protein structure and function (PolyPhen-2) suggests that this variant is likely to be disruptive. Experimental studies have shown that this missense change affects ALDOB function (PMID: 10625657, 12417303). For these reasons, this variant has been classified as Pathogenic.

Natera, Inc.
Classification: Pathogenic for Fructose intolerance. Last evaluated: 2025-05-12. Review status: criteria provided, single submitter. Criteria: Natera Variant Classification Schema (03/2026). Collection method: clinical testing. Allele origin: germline.
Comment: The c.770T>C variant in ALDOB is a missense variant predicted to cause substitution of leucine to proline at amino acid 257. This variant is rare in the general population with a frequency below the threshold expected for the associated phenotype(s). This variant has been observed in one or more individuals affected with the associated recessive disease, as either homozygous or compound heterozygous with a second variant (PMID: 31591370, 8069328, 14760272). Additionally, this variant has been observed to segregate in affected family members (PMID: 8069328). Computational prediction algorithms indicate this variant is likely to affect gene or protein function. Given the available evidence, this variant is classified as Pathogenic.

Women's Health and Genetics/Laboratory Corporation of America, LabCorp
Classification: Pathogenic for Hereditary fructosuria. Last evaluated: 2023-07-13. Review status: criteria provided, single submitter. Criteria: LabCorp Variant Classification Summary - May 2015. Collection method: clinical testing. Allele origin: germline.
Comment: Variant summary: ALDOB c.770T>C (p.Leu257Pro) results in a non-conservative amino acid change in the encoded protein sequence. Five of five in-silico tools predict a damaging effect of the variant on protein function. The variant allele was found at a frequency of 4e-06 in 251444 control chromosomes (gnomAD). The available data on variant occurrences in the general population are insufficient to allow any conclusion about variant significance. c.770T>C has been reported in the literature in multiple compound heterozygous individuals affected with Hereditary Fructose Intolerance (e.g., Ali_1994, Ciacci_2006, Coffee_2010, Stormon_2004). These data indicate that the variant is very likely to be associated with disease. Several publications report experimental evidence evaluating an impact on protein function, finding that the variant results in reduced protein stability, a moderate reduction in specific activity (16-38% depending on the substrate), and an approximately 70% reduction in catalytic efficiency with the FBP substrate relative to the wild type (e.g., Esposito_2002). The following publications have been ascertained in the context of this evaluation (PMID: 8069328, 16630753, 20882353, 12417303, 14760272). One submitter has reported clinical-significance assessments for this variant to ClinVar after 2014 and has classified the variant as pathogenic. Based on the evidence outlined above, the variant was classified as pathogenic.

ATS em Genética Clínica, Universidade Federal do Rio Grande do Sul
Classification: Pathogenic for Hereditary fructosuria. Last evaluated: 2021-03-18. Review status: no assertion criteria provided. Collection method: literature only. Allele origin: unknown. Affected: yes. Not counted in ClinVar's aggregate classification.

Literature cited by the submitters: PubMed 8162030 (cited by Labcorp Genetics (formerly Invitae), Labcorp and ATS em Genética Clínica, Universidade Federal do Rio Grande do Sul); PubMed 14760272 (cited by 3 submitters); PubMed 20033295 (cited by Labcorp Genetics (formerly Invitae), Labcorp); PubMed 10625657 (cited by Labcorp Genetics (formerly Invitae), Labcorp); PubMed 12417303 (cited by Labcorp Genetics (formerly Invitae), Labcorp and Women's Health and Genetics/Laboratory Corporation of America, LabCorp); PubMed 31591370 (cited by Natera, Inc.); PubMed 8069328 (cited by Natera, Inc. and Women's Health and Genetics/Laboratory Corporation of America, LabCorp); PubMed 20882353 (cited by Women's Health and Genetics/Laboratory Corporation of America, LabCorp); PubMed 16630753 (cited by Women's Health and Genetics/Laboratory Corporation of America, LabCorp).

NM_000035.4(ALDOB):c.770T>C (p.Leu257Pro)

Gene: ALDOB (aldolase, fructose-bisphosphate B; minus strand). Cytogenetic location: 9q31.1.
Variant type: single nucleotide variant.
Coding change: c.770T>C on transcript NM_000035.4 (MANE Select); coding-DNA position 770, T replaced by C.
Protein change: p.Leu257Pro; replaces leucine 257 with proline.
Molecular consequence: missense variant.
Genome position (GRCh38, 1-based): chr9:101,425,482, A>G on the plus strand (T>C on the coding strand, the complement: ALDOB is on the minus strand). VCF-style: chr9-101425482-A-G. GRCh37 (hg19) VCF-style: chr9-104187764-A-G.
Other names: c.770T>C (NM_000035.3); short protein forms L257P.
Identifiers: ClinVar variation 1065855 (VCV001065855.6), dbSNP rs764701775, ClinGen allele CA5161480.